The following is an entry in ClinVar:

NM_003620.4(PPM1D):c.1025A>G (p.His342Arg)

Gene: PPM1D (protein phosphatase, Mg2+/Mn2+ dependent 1D; plus strand). Cytogenetic location: 17q23.2.
Variant type: single nucleotide variant.
Coding change: c.1025A>G on transcript NM_003620.4 (MANE Select); coding-DNA position 1025, A replaced by G.
Protein change: p.His342Arg; replaces histidine 342 with arginine.
Molecular consequence: missense variant.
Genome position (GRCh38, 1-based): chr17:60,656,606, A>G. VCF-style: chr17-60656606-A-G. GRCh37 (hg19) VCF-style: chr17-58733967-A-G.
Other names: short protein forms H342R.
Identifiers: ClinVar variation 4862439 (VCV004862439.1).
Genomic context (GRCh38, chr17:60,656,606, plus strand): 5'-TAGTGGCAGCTAAATCTGAGTTACTTTCCTTCTCCTTGTTCTTTTGAATACAGGGTGAGC[A>G]TGGACAATCTTGTGCCAAAATGCTTGTGAATCGAGCATTGGGCCGCTGGAGGCAGCGTAT-3'
Protein context (NP_003611.1, residues 332-352): QEEKKYLMGE[His342Arg]GQSCAKMLVN

ClinVar aggregate classification (germline): Uncertain significance (1 of 4 stars; one submission).

Conditions:
Inborn genetic diseases. Identifiers: MedGen C0950123, MeSH D030342.

gnomAD v4.1: 4 of 1,614,160 alleles (0.00025%); highest among the groups gnomAD compares: Non-Finnish European, 0.00025%; no homozygotes.

Submission:

Ambry Genetics
Classification: Uncertain significance for Inborn genetic diseases. Last evaluated: 2026-05-13. Review status: criteria provided, single submitter. Criteria: Ambry Variant Classification Scheme 2023. Collection method: clinical testing. Allele origin: germline.
Comment: The c.1025A>G (p.H342R) alteration is located in exon 5 (coding exon 5) of the PPM1D gene. This alteration results from a A to G substitution at nucleotide position 1025, causing the histidine (H) at amino acid position 342 to be replaced by an arginine (R). Based on data from gnomAD, the G allele has an overall frequency of <0.001% (1/251258) total alleles studied. The highest observed frequency was <0.001% (/) of alleles. Based on insufficient or conflicting evidence, the clinical significance of this alteration remains unclear.